The following is an entry in ClinVar:

NM_177438.3(DICER1):c.4252G>T (p.Glu1418Ter)

Gene: DICER1 (dicer 1, ribonuclease III; minus strand). Cytogenetic location: 14q32.13.
Variant type: single nucleotide variant.
Coding change: c.4252G>T on transcript NM_177438.3 (MANE Select); coding-DNA position 4252, G replaced by T.
Protein change: p.Glu1418Ter; replaces glutamic acid 1418 with a stop codon.
Molecular consequence: nonsense.
Genome position (GRCh38, 1-based): chr14:95,096,668, C>A on the plus strand (G>T on the coding strand, the complement: DICER1 is on the minus strand). VCF-style: chr14-95096668-C-A. GRCh37 (hg19) VCF-style: chr14-95563005-C-A.
Other names: c.4252G>T, p.Glu1418Ter (NM_001195573.1, NM_001271282.3, NM_001291628.2 and 1 more transcripts); short protein forms E1418*.
Identifiers: ClinVar variation 963241 (VCV000963241.9), dbSNP rs1421729263, ClinGen allele CA390869696.

ClinVar aggregate classification (germline): Pathogenic (1 of 4 stars; one submission).

Conditions:
DICER1-related tumor predisposition. Also called: DICER1 syndrome; DICER1-related pleuropulmonary blastoma cancer predisposition syndrome. Identifiers: Orphanet 284343, MedGen C3839822, MONDO:0100216.

Submission:

Labcorp Genetics (formerly Invitae), Labcorp
Classification: Pathogenic for DICER1-related tumor predisposition. Last evaluated: 2019-10-30. Review status: criteria provided, single submitter. Criteria: Invitae Variant Classification Sherloc (09022015). Collection method: clinical testing. Allele origin: germline.
Comment: This sequence change creates a premature translational stop signal (p.Glu1418*) in the DICER1 gene. It is expected to result in an absent or disrupted protein product. This variant is not present in population databases (ExAC no frequency). This variant has not been reported in the literature in individuals with DICER1-related conditions. Loss-of-function variants in DICER1 are known to be pathogenic (PMID: 19556464, 21266384). For these reasons, this variant has been classified as Pathogenic.

Literature cited by the submitters: PubMed 19556464; PubMed 21266384.